The following is an entry in ClinVar:

ClinVar aggregate classification (germline): Likely benign. Review status: criteria provided, multiple submitters, no conflicts (2 of 4 stars). 2 submissions from 2 submitters: Likely benign (2). Last evaluated 2024-05-09.

Conditions:
Myofibrillar myopathy 4. Also called: Zaspopathy (type). Identifiers: Orphanet 98912, MedGen C4721886, MONDO:0012277, OMIM 609452.

Allele frequency attached by ClinVar (database versions not stated): TOPMed 0.00001.
gnomAD v4.1: 16 of 1,614,200 alleles (0.00099%); highest among the groups gnomAD compares: Non-Finnish European, 0.0014%; no homozygotes.

Submissions (2):

Labcorp Genetics (formerly Invitae), Labcorp
Classification: Likely benign for Myofibrillar myopathy 4. Last evaluated: 2024-05-09. Review status: criteria provided, single submitter. Criteria: Invitae Variant Classification Sherloc (09022015). Collection method: clinical testing. Allele origin: germline.

Laboratory for Molecular Medicine, Mass General Brigham Personalized Medicine
Classification: Likely benign. Last evaluated: 2010-08-20. Review status: criteria provided, single submitter. Criteria: LMM Criteria. Collection method: clinical testing. Allele origin: germline. Observed: 1 variant allele.
Comment: This variant is not expected to have clinical significance because it does not a lter an amino acid residue and is not located near a splice junction. Therefore, it is unlikely that this variant is disease-causing.

NM_001368067.1(LDB3):c.456G>T (p.Ala152=)

Genes: LDB3 (LIM domain binding 3; plus strand), LOC110121486 (VISTA enhancer hs2143; plus strand). Cytogenetic location: 10q23.2.
Variant type: single nucleotide variant.
Coding change: c.456G>T on transcript NM_001368067.1 (MANE Plus Clinical); coding-DNA position 456, G replaced by T.
Protein change: p.Ala152=; no amino-acid change (alanine 152 retained).
Molecular consequence: synonymous variant. On other transcripts: intron variant (5).
Genome position (GRCh38, 1-based): chr10:86,687,180, G>T. VCF-style: chr10-86687180-G-T. GRCh37 (hg19) VCF-style: chr10-88446937-G-T.
Other names: c.456G>T, p.Ala152= (NM_001080116.1, NM_001080114.2, NM_001368066.1 and 1 more transcripts); c.801G>T, p.Ala267= (NM_001171610.2, NM_001171611.2); c.690-4716G>T (NM_001368064.1, NM_001368063.1, NM_007078.3 and 2 more transcripts).
Identifiers: ClinVar variation 43878 (VCV000043878.10), dbSNP rs371708921, ClinGen allele CA133078.
Genomic context (GRCh38, chr10:86,687,180, plus strand): 5'-GTCCACCCACAAGCCCATCGAGGTGAAGGGGCTGGGCGGCAAGGCCACCATCATCCATGC[G>T]CAGTACAACACGCCCATCAGCATGTATTCCCAGGATGCCATCATGGATGCCATCGCTGGG-3'
Protein context (NP_001354996.1, residues 142-162): GLGGKATIIH[Ala152=]QYNTPISMYS